The following is an entry in ClinVar:

NM_000231.3(SGCG):c.199G>A (p.Gly67Arg)

Gene: SGCG (sarcoglycan gamma; plus strand). Cytogenetic location: 13q12.12.
Variant type: single nucleotide variant.
Coding change: c.199G>A on transcript NM_000231.3 (MANE Select); coding-DNA position 199, G replaced by A.
Protein change: p.Gly67Arg; replaces glycine 67 with arginine.
Molecular consequence: missense variant.
Genome position (GRCh38, 1-based): chr13:23,234,614, G>A. VCF-style: chr13-23234614-G-A. GRCh37 (hg19) VCF-style: chr13-23808753-G-A.
Other names: c.253G>A, p.Gly85Arg (NM_001378244.1); c.199G>A, p.Gly67Arg (NM_001378245.1, NM_001378246.1); short protein forms G67R, G85R.
Identifiers: ClinVar variation 953972 (VCV000953972.10), dbSNP rs1879239201, ClinGen allele CA387506367.

ClinVar aggregate classification (germline): Uncertain significance (1 of 4 stars; one submission).

Conditions:
Autosomal recessive limb-girdle muscular dystrophy type 2C (LGMDR5). Also called: MUSCULAR DYSTROPHY, DUCHENNE-LIKE; MUSCULAR DYSTROPHY, LIMB-GIRDLE, AUTOSOMAL RECESSIVE 5. Identifiers: Orphanet 353, MedGen C0410173, MONDO:0009677, OMIM 253700. Disease mechanism: Affects gamma-sarcoglycan and also disrupts the integrity of the entire sarcoglycan complex..

Submission:

Labcorp Genetics (formerly Invitae), Labcorp
Classification: Uncertain significance for Autosomal recessive limb-girdle muscular dystrophy type 2C. Last evaluated: 2019-07-28. Review status: criteria provided, single submitter. Criteria: Invitae Variant Classification Sherloc (09022015). Collection method: clinical testing. Allele origin: germline.
Comment: This sequence change replaces glycine with arginine at codon 67 of the SGCG protein (p.Gly67Arg). The glycine residue is highly conserved and there is a moderate physicochemical difference between glycine and arginine. In summary, the available evidence is currently insufficient to determine the role of this variant in disease. Therefore, it has been classified as a Variant of Uncertain Significance. Algorithms developed to predict the effect of missense changes on protein structure and function are either unavailable or do not agree on the potential impact of this missense change (SIFT: "Deleterious"; PolyPhen-2: "Benign"; Align-GVGD: "Class C65"). This variant has not been reported in the literature in individuals with SGCG-related conditions. This variant is not present in population databases (ExAC no frequency).